The following is an entry in ClinVar:

NM_003640.5(ELP1):c.1982dup (p.Cys662fs)

Gene: ELP1 (elongator acetyltransferase complex subunit 1; minus strand). Cytogenetic location: 9q31.3.
Variant type: Duplication.
Coding change: c.1982dup on transcript NM_003640.5 (MANE Select); coding-DNA position 1982, one base duplicated (A; older notation c.1982dupA).
Protein change: p.Cys662fs; shifts the reading frame from cysteine 662.
Molecular consequence: frameshift variant.
Genome position (GRCh38, 1-based): chr9:108,901,457, T duplicated on the plus strand (A on the coding strand, the reverse complement: ELP1 is on the minus strand). VCF-style (leftmost placement, unchanged base first): chr9-108901456-C-CT. GRCh37 (hg19) VCF-style: chr9-111663736-C-CT.
Other names: c.1640dup, p.Cys548fs (NM_001318360.2); c.935dup, p.Cys313fs (NM_001330749.2); short protein forms C313fs, C548fs, C662fs.
Identifiers: ClinVar variation 4815182 (VCV004815182.1).

ClinVar aggregate classification (germline): Likely pathogenic (1 of 4 stars; one submission).

Conditions:
Familial dysautonomia. Also called: HSAN III; FD. Identifiers: Orphanet 1764, MedGen C0013364, MONDO:0009131, OMIM 223900. Disease mechanism: loss of function.

Submission:

Natera, Inc.
Classification: Likely pathogenic for Familial dysautonomia. Last evaluated: 2024-06-24. Review status: criteria provided, single submitter. Criteria: Natera Variant Classification Schema (03/2026). Collection method: clinical testing. Allele origin: germline.
Comment: The c.1982dup variant in ELP1 is a frameshift variant predicted to shift the reading frame beginning at codon 662 and leads to a stop codon 10 codons downstream. This variant is expected to result in nonsense mediated decay, truncation, or a dysfunctional protein product. This variant is rare in the general population with a frequency below the threshold expected for the associated phenotype(s). Given the available evidence, this variant is classified as Likely Pathogenic.